The following is an entry in ClinVar:

ClinVar aggregate classification (germline): Uncertain significance. Review status: criteria provided, multiple submitters, no conflicts (2 of 4 stars). 2 submissions from 2 submitters: Uncertain significance (2). Last evaluated 2025-01-07.

Allele frequency attached by ClinVar (database versions not stated): gnomAD exomes below 0.00001; ExAC 0.00002; gnomAD 0.00002; TOPMed 0.00002; 1000 Genomes Project 0.00020; 1000 Genomes Project 30x 0.00031.

Submissions (2):

Labcorp Genetics (formerly Invitae), Labcorp
Classification: Uncertain significance. Last evaluated: 2025-01-07. Review status: criteria provided, single submitter. Criteria: Invitae Variant Classification Sherloc (09022015). Collection method: clinical testing. Allele origin: germline.
Comment: This sequence change replaces glutamic acid, which is acidic and polar, with lysine, which is basic and polar, at codon 399 of the SIAE protein (p.Glu399Lys). This variant is present in population databases (rs527559371, gnomAD 0.01%). This variant has not been reported in the literature in individuals affected with SIAE-related conditions. ClinVar contains an entry for this variant (Variation ID: 2239484). An algorithm developed to predict the effect of missense changes on protein structure and function (PolyPhen-2) suggests that this variant is likely to be tolerated. In summary, the available evidence is currently insufficient to determine the role of this variant in disease. Therefore, it has been classified as a Variant of Uncertain Significance.

Ambry Genetics
Classification: Uncertain significance. Last evaluated: 2021-07-26. Review status: criteria provided, single submitter. Criteria: Ambry Variant Classification Scheme 2023. Collection method: clinical testing. Allele origin: germline.

NM_170601.5(SIAE):c.1195G>A (p.Glu399Lys)

Gene: SIAE (sialic acid acetylesterase; minus strand). Cytogenetic location: 11q24.2.
Variant type: single nucleotide variant.
Coding change: c.1195G>A on transcript NM_170601.5 (MANE Select); coding-DNA position 1195, G replaced by A.
Protein change: p.Glu399Lys; replaces glutamic acid 399 with lysine.
Molecular consequence: missense variant.
Genome position (GRCh38, 1-based): chr11:124,638,667, C>T on the plus strand (G>A on the coding strand, the complement: SIAE is on the minus strand). VCF-style: chr11-124638667-C-T. GRCh37 (hg19) VCF-style: chr11-124508563-C-T.
Other names: c.1090G>A, p.Glu364Lys (NM_001199922.2); short protein forms E364K, E399K.
Identifiers: ClinVar variation 2239484 (VCV002239484.5), dbSNP rs527559371, ClinGen allele CA6341256.